The following is an entry in ClinVar:

ClinVar aggregate classification (germline): Conflicting classifications of pathogenicity. Review status: criteria provided, conflicting classifications (1 of 4 stars). 3 submissions from 3 submitters: Uncertain significance (2); Likely benign (1). Last evaluated 2025-03-05.

Conditions:
Inborn genetic diseases. Identifiers: MedGen C0950123, MeSH D030342.

gnomAD v4.1: 35 of 1,550,034 alleles (0.0023%); highest among the groups gnomAD compares: East Asian, 0.0073%; no homozygotes.

Submissions (3):

Ambry Genetics
Classification: Uncertain significance for Inborn genetic diseases. Last evaluated: 2025-03-05. Review status: criteria provided, single submitter. Criteria: Ambry Variant Classification Scheme 2023. Collection method: clinical testing. Allele origin: germline.

Labcorp Genetics (formerly Invitae), Labcorp
Classification: Likely benign. Last evaluated: 2023-06-02. Review status: criteria provided, single submitter. Criteria: Invitae Variant Classification Sherloc (09022015). Collection method: clinical testing. Allele origin: germline.

GeneDx
Classification: Uncertain significance. Last evaluated: 2022-09-15. Review status: criteria provided, single submitter. Criteria: GeneDx Variant Classification Process June 2021. Collection method: clinical testing. Allele origin: germline. Affected: yes.
Comment: Not observed at significant frequency in large population cohorts (gnomAD); In silico analysis supports that this missense variant has a deleterious effect on protein structure/function; Has not been previously published as pathogenic or benign to our knowledge

NM_001142864.4(PIEZO1):c.2545C>T (p.Arg849Cys)

Genes: HSALR1 (HSP90AB1 associated lncRNA 1; plus strand), PIEZO1 (piezo type mechanosensitive ion channel component 1 (Er blood group); minus strand). Cytogenetic location: 16q24.3.
Variant type: single nucleotide variant.
Coding change: c.2545C>T on transcript NM_001142864.4 (MANE Select); coding-DNA position 2545, C replaced by T.
Protein change: p.Arg849Cys; replaces arginine 849 with cysteine.
Molecular consequence: missense variant.
Genome position (GRCh38, 1-based): chr16:88,733,397, G>A on the plus strand (C>T on the coding strand, the complement: PIEZO1 is on the minus strand). VCF-style: chr16-88733397-G-A. GRCh37 (hg19) VCF-style: chr16-88799805-G-A.
Other names: c.1087C>T, p.Arg363Cys (NM_014745.1); short protein forms R363C, R849C.
Identifiers: ClinVar variation 2444549 (VCV002444549.5), dbSNP rs776672249, ClinGen allele CA286422229.